The following is an entry in ClinVar:

ClinVar aggregate classification (germline): Uncertain significance (1 of 4 stars; one submission).

Submission:

Mayo Clinic Laboratories, Mayo Clinic
Classification: Uncertain significance. Last evaluated: 2022-07-20. Review status: criteria provided, single submitter. Criteria: ACMG Guidelines, 2015. Collection method: clinical testing. Allele origin: germline. Observed: 2 variant alleles.
Comment: BP4, BP5, PM2_supporting

NM_148919.4(PSMB8):c.512G>A (p.Ser171Asn)

Gene: PSMB8 (proteasome 20S subunit beta 8; minus strand). Cytogenetic location: 6p21.32.
Variant type: single nucleotide variant.
Coding change: c.512G>A on transcript NM_148919.4 (MANE Select); coding-DNA position 512, G replaced by A.
Protein change: p.Ser171Asn; replaces serine 171 with asparagine.
Molecular consequence: missense variant.
Genome position (GRCh38, 1-based): chr6:32,842,159, C>T on the plus strand (G>A on the coding strand, the complement: PSMB8 is on the minus strand). VCF-style: chr6-32842159-C-T. GRCh37 (hg19) VCF-style: chr6-32809936-C-T.
Other names: p.Ser171Asn; c.500G>A, p.Ser167Asn (NM_004159.5); short protein forms S167N, S171N.
Identifiers: ClinVar variation 1693910 (VCV001693910.5), dbSNP rs780191155, ClinGen allele CA363588825.